The following is an entry in ClinVar:

NM_022765.4(MICAL1):c.346C>T (p.Arg116Cys)

Gene: MICAL1 (microtubule associated monooxygenase, calponin and LIM domain containing 1; minus strand). Cytogenetic location: 6q21.
Variant type: single nucleotide variant.
Coding change: c.346C>T on transcript NM_022765.4 (MANE Select); coding-DNA position 346, C replaced by T.
Protein change: p.Arg116Cys; replaces arginine 116 with cysteine.
Molecular consequence: missense variant.
Genome position (GRCh38, 1-based): chr6:109,453,758, G>A on the plus strand (C>T on the coding strand, the complement: MICAL1 is on the minus strand). VCF-style: chr6-109453758-G-A. GRCh37 (hg19) VCF-style: chr6-109774961-G-A.
Other names: c.346C>T, p.Arg116Cys (NM_001159291.2); c.403C>T, p.Arg135Cys (NM_001286613.2); short protein forms R116C, R135C.
Identifiers: ClinVar variation 2962915 (VCV002962915.3), dbSNP rs577273855, ClinGen allele CA3953810.

ClinVar aggregate classification (germline): Uncertain significance (1 of 4 stars; one submission).

Allele frequency attached by ClinVar (database versions not stated): gnomAD exomes 0.00001; 1000 Genomes Project 30x 0.00031; TOPMed 0.00001; gnomAD 0.00004; 1000 Genomes Project 0.00020; ExAC 0.00002.
gnomAD v4.1: 13 of 1,613,680 alleles (0.00081%); highest among the groups gnomAD compares: East Asian, 0.0089%; no homozygotes.

Submission:

Labcorp Genetics (formerly Invitae), Labcorp
Classification: Uncertain significance. Last evaluated: 2025-02-20. Review status: criteria provided, single submitter. Criteria: Invitae Variant Classification Sherloc (09022015). Collection method: clinical testing. Allele origin: germline.
Comment: This sequence change replaces arginine, which is basic and polar, with cysteine, which is neutral and slightly polar, at codon 135 of the MICAL1 protein (p.Arg135Cys). This variant is present in population databases (rs577273855, gnomAD 0.003%). This variant has not been reported in the literature in individuals affected with MICAL1-related conditions. ClinVar contains an entry for this variant (Variation ID: 2962915). An algorithm developed to predict the effect of missense changes on protein structure and function (PolyPhen-2) suggests that this variant is likely to be disruptive. In summary, the available evidence is currently insufficient to determine the role of this variant in disease. Therefore, it has been classified as a Variant of Uncertain Significance.